The following is an entry in ClinVar:

NM_001134407.3(GRIN2A):c.3491C>T (p.Thr1164Met)

Gene: GRIN2A (glutamate ionotropic receptor NMDA type subunit 2A; minus strand). Cytogenetic location: 16p13.2.
Variant type: single nucleotide variant.
Coding change: c.3491C>T on transcript NM_001134407.3 (MANE Select); coding-DNA position 3491, C replaced by T.
Protein change: p.Thr1164Met; replaces threonine 1164 with methionine.
Molecular consequence: missense variant.
Genome position (GRCh38, 1-based): chr16:9,764,053, G>A on the plus strand (C>T on the coding strand, the complement: GRIN2A is on the minus strand). VCF-style: chr16-9764053-G-A. GRCh37 (hg19) VCF-style: chr16-9857910-G-A.
Other names: c.3491C>T, p.Thr1164Met (NM_000833.5, NM_001134408.2); short protein forms T1164M.
Identifiers: ClinVar variation 1706312 (VCV001706312.2), dbSNP rs2141131695, ClinGen allele CA394707536.

ClinVar aggregate classification (germline): Uncertain significance (1 of 4 stars; one submission).

gnomAD v4.1: 5 of 1,613,838 alleles (0.00031%); highest among the groups gnomAD compares: South Asian, 0.0022%; no homozygotes.

Submission:

GeneDx
Classification: Uncertain significance. Last evaluated: 2022-03-15. Review status: criteria provided, single submitter. Criteria: GeneDx Variant Classification Process June 2021. Collection method: clinical testing. Allele origin: germline. Affected: yes.
Comment: Not observed at significant frequency in large population cohorts (gnomAD); In silico analysis supports that this missense variant does not alter protein structure/function; Has not been previously published as pathogenic or benign to our knowledge